The following is an entry in ClinVar:

NM_001271.4(CHD2):c.3573G>A (p.Gln1191=)

Gene: CHD2 (chromodomain helicase DNA binding protein 2; plus strand). Cytogenetic location: 15q26.1.
Variant type: single nucleotide variant.
Coding change: c.3573G>A on transcript NM_001271.4 (MANE Select); coding-DNA position 3573, G replaced by A.
Protein change: p.Gln1191=; no amino-acid change (glutamine 1191 retained).
Molecular consequence: synonymous variant.
Genome position (GRCh38, 1-based): chr15:92,992,976, G>A. VCF-style: chr15-92992976-G-A. GRCh37 (hg19) VCF-style: chr15-93536206-G-A.
Identifiers: ClinVar variation 384405 (VCV000384405.25), dbSNP rs79219767, ClinGen allele CA7748249.

ClinVar aggregate classification (germline): Benign/Likely benign. Review status: criteria provided, multiple submitters, no conflicts (2 of 4 stars). 6 submissions from 6 submitters: Benign (3); Likely benign (3). Last evaluated 2026-06-01.

Conditions:
Inborn genetic diseases. Identifiers: MedGen C0950123, MeSH D030342.
Developmental and epileptic encephalopathy 94 (DEE94). Also called: Epileptic encephalopathy, childhood-onset; CHD2-Related Neurodevelopmental Disorders. Identifiers: Orphanet 1942, Orphanet 2382, MedGen C3809278, MONDO:0014150, OMIM 615369.

Allele frequency attached by ClinVar (database versions not stated): gnomAD exomes 0.00067; ExAC 0.00086; gnomAD 0.00254 and 0.00281; TOPMed 0.00275; 1000 Genomes Project 0.00300; ESP Exome Variant Server 0.00300; 1000 Genomes Project 30x 0.00312.
gnomAD v4.1: 764 of 1,613,930 alleles (0.047%); highest among the groups gnomAD compares: African/African-American, 0.91%; 2 homozygotes.

Submissions (6):

CeGaT Center for Human Genetics Tuebingen
Classification: Likely benign. Last evaluated: 2026-06-01. Review status: criteria provided, single submitter. Criteria: CeGaT Center For Human Genetics Tuebingen Variant Classification Criteria Version 2. Collection method: clinical testing. Allele origin: germline. Affected: yes. Observed: 4 variant alleles.
Comment: CHD2: BP4, BS1

Labcorp Genetics (formerly Invitae), Labcorp
Classification: Benign for Developmental and epileptic encephalopathy 94. Last evaluated: 2026-02-02. Review status: criteria provided, single submitter. Criteria: Invitae Variant Classification Sherloc (09022015). Collection method: clinical testing. Allele origin: germline.

Blueprint Genetics
Classification: Likely benign. Last evaluated: 2024-11-01. Review status: criteria provided, single submitter. Criteria: ACMG Guidelines, 2015. Collection method: clinical testing. Allele origin: germline.

Athena Diagnostics
Classification: Benign. Last evaluated: 2018-11-27. Review status: criteria provided, single submitter. Criteria: Athena Diagnostics Criteria. Collection method: clinical testing. Allele origin: germline.

Ambry Genetics
Classification: Likely benign for Inborn genetic diseases. Last evaluated: 2016-08-30. Review status: criteria provided, single submitter. Criteria: Ambry Variant Classification Scheme 2023. Collection method: clinical testing. Allele origin: germline.

GeneDx
Classification: Benign. Last evaluated: 2016-05-24. Review status: criteria provided, single submitter. Criteria: GeneDx Variant Classification (06012015). Collection method: clinical testing. Allele origin: germline. Affected: yes.
Comment: This variant is considered likely benign or benign based on one or more of the following criteria: it is a conservative change, it occurs at a poorly conserved position in the protein, it is predicted to be benign by multiple in silico algorithms, and/or has population frequency not consistent with disease.